The following is an entry in ClinVar:

ClinVar aggregate classification (germline): Likely pathogenic (1 of 4 stars; one submission).

Conditions:
Nephronophthisis. Also called: Juvenile Nephronophthisis. Identifiers: Orphanet 655, MedGen C0687120, MONDO:0019005, HP:0000090.

Submission:

Labcorp Genetics (formerly Invitae), Labcorp
Classification: Likely pathogenic for Nephronophthisis. Last evaluated: 2025-10-09. Review status: criteria provided, single submitter. Criteria: Invitae Variant Classification Sherloc (09022015). Collection method: clinical testing. Allele origin: germline.
Comment: This sequence change affects a donor splice site in intron 12 of the NPHP4 gene. It is expected to disrupt RNA splicing. Variants that disrupt the donor or acceptor splice site typically lead to a loss of protein function (PMID: 16199547), and loss-of-function variants in NPHP4 are known to be pathogenic (PMID: 12205563, 23559409). This variant is not present in population databases (gnomAD no frequency). This variant has not been reported in the literature in individuals affected with NPHP4-related conditions. Algorithms developed to predict the effect of sequence changes on RNA splicing suggest that this variant may disrupt the consensus splice site. In summary, the currently available evidence indicates that the variant is pathogenic, but additional data are needed to prove that conclusively. Therefore, this variant has been classified as Likely Pathogenic.

Literature cited by the submitters: PubMed 16199547; PubMed 12205563; PubMed 23559409.

NM_015102.5(NPHP4):c.1503+2T>A

Gene: NPHP4 (nephrocystin 4; minus strand). Cytogenetic location: 1p36.31.
Variant type: single nucleotide variant.
Coding change: c.1503+2T>A on transcript NM_015102.5 (MANE Select); the canonical splice donor site of the intron after coding-DNA position 1503, T replaced by A.
Molecular consequence: splice donor variant. On other transcripts: intron variant (2).
Genome position (GRCh38, 1-based): chr1:5,909,150, A>T on the plus strand (T>A on the coding strand, the complement: NPHP4 is on the minus strand). VCF-style: chr1-5909150-A-T. GRCh37 (hg19) VCF-style: chr1-5969210-A-T.
Other names: c.76-3367T>A (NM_001291594.2); c.76-3370T>A (NM_001291593.2).
Identifiers: ClinVar variation 4728852 (VCV004728852.1).